The following is an entry in ClinVar:

NM_000089.4(COL1A2):c.325-24_325-1del

Gene: COL1A2 (collagen type I alpha 2 chain; plus strand). Cytogenetic location: 7q21.3.
Variant type: Deletion.
Coding change: c.325-24_325-1del on transcript NM_000089.4 (MANE Select); 24 bases into the intron before coding-DNA position 325 through the canonical splice acceptor site of the intron before coding-DNA position 325, 24 bases deleted (TATGACATTCTTTTTTTCTTTTAG).
Molecular consequence: splice acceptor variant.
Genome position (GRCh38, 1-based): chr7:94,404,669-94,404,692, TATGACATTCTTTTTTTCTTTTAG deleted; deleting any 24 consecutive bases within chr7:94,404,667-94,404,692 gives the same sequence; the c. name uses the placement nearest the transcript's 3' end. VCF-style (leftmost placement, unchanged base first): chr7-94404666-GAGTATGACATTCTTTTTTTCTTTT-G. GRCh37 (hg19) VCF-style: chr7-94033978-GAGTATGACATTCTTTTTTTCTTTT-G.
Identifiers: ClinVar variation 3347781 (VCV003347781.2).

ClinVar aggregate classification (germline): Likely pathogenic (1 of 4 stars; one submission).

Conditions:
COL1A2-related disorder. Also called: COL1A2-related condition; COL1A2-Related Disorders.

Submission:

PreventionGenetics, part of Exact Sciences
Classification: Likely pathogenic for COL1A2-related condition. Last evaluated: 2025-04-16. Review status: criteria provided, single submitter. Criteria: ACMG Guidelines, 2015. Collection method: clinical testing. Allele origin: germline.
Comment: The COL1A2 c.325-24_325-1del24 variant is predicted to result in a deletion affecting a canonical splice site. To our knowledge, this variant has not been reported in the literature or in a large population database, indicating this variant is rare. This variant was reported to segregate with disease in a family undergoing sequencing for connective tissue disorder (PreventionGenetics, Internal Data). A splicing assay from a patient's fibroblasts demonstrated this variant results in the in-frame skipping of exon 8, removing 18 amino acids within the triple helix domain from the native protein (personal communication). Other in-frame exon deletions flanking exon 8 have been reported in individuals with COL1A2-related disorders (see for example: Malfait et al. 2013. PubMed ID: 23692737). Taken together, this variant is interpreted as likely pathogenic.